The following is an entry in ClinVar:

NM_002890.3(RASA1):c.1914G>T (p.Trp638Cys)

Genes: CCNH (cyclin H; minus strand), RASA1 (RAS p21 protein activator 1; plus strand). Cytogenetic location: 5q14.3.
Variant type: single nucleotide variant.
Coding change: c.1914G>T on transcript NM_002890.3 (MANE Select); coding-DNA position 1914, G replaced by T.
Protein change: p.Trp638Cys; replaces tryptophan 638 with cysteine.
Molecular consequence: missense variant. On other transcripts: intron variant (1).
Genome position (GRCh38, 1-based): chr5:87,374,300, G>T. VCF-style: chr5-87374300-G-T. GRCh37 (hg19) VCF-style: chr5-86670117-G-T.
Other names: c.1383G>T, p.Trp461Cys (NM_022650.3); c.933+20744C>A (NM_001364075.2); short protein forms W638C, W461C.
Identifiers: ClinVar variation 952429 (VCV000952429.10), dbSNP rs1761159517, ClinGen allele CA360375242.

ClinVar aggregate classification (germline): Uncertain significance (1 of 4 stars; one submission).

Conditions:
Capillary malformation-arteriovenous malformation syndrome. Also called: Capillary malformation-arteriovenous malformation. Identifiers: Orphanet 137667, MedGen C1842180, MONDO:0012016.

Submission:

Labcorp Genetics (formerly Invitae), Labcorp
Classification: Uncertain significance for Capillary malformation-arteriovenous malformation syndrome. Last evaluated: 2019-05-17. Review status: criteria provided, single submitter. Criteria: Invitae Variant Classification Sherloc (09022015). Collection method: clinical testing. Allele origin: germline.
Comment: This variant has not been reported in the literature in individuals with RASA1-related conditions. In summary, the available evidence is currently insufficient to determine the role of this variant in disease. Therefore, it has been classified as a Variant of Uncertain Significance. Algorithms developed to predict the effect of missense changes on protein structure and function (SIFT, PolyPhen-2, Align-GVGD) all suggest that this variant is likely to be disruptive, but these predictions have not been confirmed by published functional studies and their clinical significance is uncertain. This variant is not present in population databases (ExAC no frequency). This sequence change replaces tryptophan with cysteine at codon 638 of the RASA1 protein (p.Trp638Cys). The tryptophan residue is highly conserved and there is a large physicochemical difference between tryptophan and cysteine.